The following is an entry in ClinVar:

ClinVar aggregate classification (germline): Uncertain significance (1 of 4 stars; one submission).

Submission:

GeneDx
Classification: Uncertain significance. Last evaluated: 2020-11-02. Review status: criteria provided, single submitter. Criteria: GeneDx Variant Classification Process June 2021. Collection method: clinical testing. Allele origin: germline. Affected: yes.
Comment: Not observed in large population cohorts (Lek et al., 2016); In silico analysis supports that this missense variant has a deleterious effect on protein structure/function; Has not been previously published as pathogenic or benign to our knowledge

NM_000702.4(ATP1A2):c.259T>C (p.Trp87Arg)

Gene: ATP1A2 (ATPase Na+/K+ transporting subunit alpha 2; plus strand). Cytogenetic location: 1q23.2.
Variant type: single nucleotide variant.
Coding change: c.259T>C on transcript NM_000702.4 (MANE Select); coding-DNA position 259, T replaced by C.
Protein change: p.Trp87Arg; replaces tryptophan 87 with arginine.
Molecular consequence: missense variant.
Genome position (GRCh38, 1-based): chr1:160,123,294, T>C. VCF-style: chr1-160123294-T-C. GRCh37 (hg19) VCF-style: chr1-160093084-T-C.
Other names: short protein forms W87R.
Identifiers: ClinVar variation 1313584 (VCV001313584.2), dbSNP rs2101985426, ClinGen allele CA343230835.